The following is an entry in ClinVar:

NM_022166.4(XYLT1):c.1478C>T (p.Ser493Leu)

Gene: XYLT1 (xylosyltransferase 1; minus strand). Cytogenetic location: 16p12.3.
Variant type: single nucleotide variant.
Coding change: c.1478C>T on transcript NM_022166.4 (MANE Select); coding-DNA position 1478, C replaced by T.
Protein change: p.Ser493Leu; replaces serine 493 with leucine.
Molecular consequence: missense variant.
Genome position (GRCh38, 1-based): chr16:17,141,262, G>A on the plus strand (C>T on the coding strand, the complement: XYLT1 is on the minus strand). VCF-style: chr16-17141262-G-A. GRCh37 (hg19) VCF-style: chr16-17235119-G-A.
Other names: short protein forms S493L.
Identifiers: ClinVar variation 2146383 (VCV002146383.1), dbSNP rs766592264, ClinGen allele CA7927890.

ClinVar aggregate classification (germline): Uncertain significance (1 of 4 stars; one submission).

Conditions:
Desbuquois dysplasia 1 (DBQD1). Also called: DESBUQUOIS DYSPLASIA 1, KIM VARIANT; MICROMELIC DWARFISM WITH VERTEBRAL AND METAPHYSEAL ABNORMALITIES AND ADVANCED CARPOTARSAL OSSIFICATION. Identifiers: Orphanet 1425, MedGen C4012146, MONDO:0009629, OMIM 251450.

Allele frequency attached by ClinVar (database versions not stated): gnomAD exomes below 0.00001; ExAC 0.00001.
gnomAD v4.1: 3 of 1,614,150 alleles (0.00019%); highest among the groups gnomAD compares: South Asian, 0.0011%; no homozygotes.

Submission:

Labcorp Genetics (formerly Invitae), Labcorp
Classification: Uncertain significance for Desbuquois dysplasia 1. Last evaluated: 2022-07-05. Review status: criteria provided, single submitter. Criteria: Invitae Variant Classification Sherloc (09022015). Collection method: clinical testing. Allele origin: germline.
Comment: This sequence change replaces serine, which is neutral and polar, with leucine, which is neutral and non-polar, at codon 493 of the XYLT1 protein (p.Ser493Leu). This variant is present in population databases (rs766592264, gnomAD 0.0009%). This variant has not been reported in the literature in individuals affected with XYLT1-related conditions. Algorithms developed to predict the effect of missense changes on protein structure and function (SIFT, PolyPhen-2, Align-GVGD) all suggest that this variant is likely to be disruptive. In summary, the available evidence is currently insufficient to determine the role of this variant in disease. Therefore, it has been classified as a Variant of Uncertain Significance.